The following is an entry in ClinVar:

NM_000059.4(BRCA2):c.2595del (p.Glu866fs)

Gene: BRCA2 (BRCA2 DNA repair associated; plus strand). Cytogenetic location: 13q13.1.
Variant type: Deletion.
Coding change: c.2595del on transcript NM_000059.4 (MANE Select); coding-DNA position 2595, one base deleted (A; older notation c.2595delA).
Protein change: p.Glu866fs; shifts the reading frame from glutamic acid 866.
Molecular consequence: frameshift variant.
Genome position (GRCh38, 1-based): chr13:32,336,950, A deleted; the last of 2 consecutive A bases (chr13:32,336,949-32,336,950); deleting either gives the same sequence. VCF-style (leftmost placement, unchanged base first): chr13-32336948-GA-G. GRCh37 (hg19) VCF-style: chr13-32911085-GA-G.
Other names: 2823delA; c.2595delA (NM_000059.3).
Identifiers: ClinVar variation 125988 (VCV000125988.14), dbSNP rs483353111, ClinGen allele CA015752.
Genomic context (GRCh38, chr13:32,336,948, plus strand): 5'-CCTTCAAGAAAGGTACAATTCAACCAAAACACAAATCTAAGAGTAATCCAAAAAAATCAA[GA>G]AGAAACTACTTCAATTTCAAAAATAACTGTCAATCCAGACTCTGAAGAACTTTTCTCAGA-3'

ClinVar aggregate classification (germline): Pathogenic. Review status: reviewed by expert panel (3 of 4 stars). 7 submissions from 7 submitters: Pathogenic (1). 6 of the submissions do not count toward it. Last evaluated 2016-09-08.

Conditions:
Hereditary cancer-predisposing syndrome. Also called: Tumor predisposition; Hereditary Cancer Syndrome; Neoplastic Syndromes, Hereditary; Hereditary neoplastic syndrome. Identifiers: Orphanet 140162, MedGen C0027672, MeSH D009386, MONDO:0015356.
Breast neoplasm. Also called: Breast Neoplasms; Neoplasm of the breast; Neoplasm of breast; Breast tumor. Identifiers: MedGen C1458155, MeSH D001943, MONDO:0021100, HP:0100013. Disease mechanism: gain of function.
Hereditary breast ovarian cancer syndrome. Also called: Hereditary breast and ovarian cancer; Hereditary breast and/or ovarian cancer syndrome; BRCA1- and BRCA2-Associated Hereditary Breast and Ovarian Cancer; Hereditary breast and ovarian cancer syndrome; Hereditary breast and ovarian cancer syndrome (HBOC); Breast and ovarian cancer. Identifiers: Orphanet 145, MedGen C0677776, MeSH D061325, MONDO:0003582. Disease mechanism: loss of function.
Breast-ovarian cancer, familial, susceptibility to, 2 (BROVCA2). Also called: BRCA2 Hereditary Breast and Ovarian Cancer. Identifiers: Orphanet 145, MedGen C2675520, MONDO:0012933, OMIM 612555. Disease mechanism: loss of function.

Submissions (7):

Evidence-based Network for the Interpretation of Germline Mutant Alleles (ENIGMA)
Classification: Pathogenic for Breast-ovarian cancer, familial, susceptibility to, 2. Last evaluated: 2016-09-08. Review status: reviewed by expert panel. Criteria: ENIGMA BRCA1/2 Classification Criteria (2015). Collection method: curation. Allele origin: germline.
Comment: Variant allele predicted to encode a truncated non-functional protein.

Labcorp Genetics (formerly Invitae), Labcorp
Classification: Pathogenic for Hereditary breast ovarian cancer syndrome. Last evaluated: 2025-11-03. Review status: criteria provided, single submitter. Criteria: Invitae Variant Classification Sherloc (09022015). Collection method: clinical testing. Allele origin: germline. Not counted in ClinVar's aggregate classification.
Comment: This sequence change creates a premature translational stop signal (p.Glu866Lysfs*8) in the BRCA2 gene. It is expected to result in an absent or disrupted protein product. Loss-of-function variants in BRCA2 are known to be pathogenic (PMID: 20104584). This variant is not present in population databases (gnomAD no frequency). This premature translational stop signal has been observed in individual(s) with breast cancer (PMID: 26187060, 28993434, 30702160). ClinVar contains an entry for this variant (Variation ID: 125988). For these reasons, this variant has been classified as Pathogenic.

Ambry Genetics
Classification: Pathogenic for Hereditary cancer-predisposing syndrome. Last evaluated: 2025-05-12. Review status: criteria provided, single submitter. Criteria: Ambry Variant Classification Scheme 2023. Collection method: clinical testing. Allele origin: germline. Not counted in ClinVar's aggregate classification.
Comment: The c.2595delA pathogenic mutation, located in coding exon 10 of the BRCA2 gene, results from a deletion of one nucleotide at nucleotide position 2595, causing a translational frameshift with a predicted alternate stop codon (p.E866Kfs*8). This variant was reported in individual(s) with features consistent with BRCA2-related cancer predisposition (Thomassen M et al. Acta Oncol, 2008;47:772-7; Kwong A et al. PLoS One, 2012 Sep;7:e43994; Wen WX et al. J Med Genet, 2018 Feb;55:97-103). This variant is considered to be rare based on population cohorts in the Genome Aggregation Database (gnomAD). In addition to the clinical data presented in the literature, this alteration is expected to result in loss of function by premature protein truncation or nonsense-mediated mRNA decay. As such, this alteration is interpreted as a disease-causing mutation.

3DMed Clinical Laboratory Inc
Classification: Pathogenic for Neoplasm of the breast. Last evaluated: 2018-04-19. Review status: criteria provided, single submitter. Criteria: ACMG Guidelines, 2015. Collection method: clinical testing. Allele origin: germline. Affected: yes. Not counted in ClinVar's aggregate classification.

Consortium of Investigators of Modifiers of BRCA1/2 (CIMBA), c/o University of Cambridge
Classification: Pathogenic for Breast-ovarian cancer, familial, susceptibility to, 2. Last evaluated: 2015-10-02. Review status: criteria provided, single submitter. Criteria: CIMBA Mutation Classification guidelines May 2016. Collection method: clinical testing. Allele origin: germline. Not counted in ClinVar's aggregate classification.

Research Molecular Genetics Laboratory, Women's College Hospital, University of Toronto
Classification: Pathogenic for Hereditary breast ovarian cancer syndrome. Last evaluated: 2014-01-31. Review status: no assertion criteria provided. Collection method: research. Allele origin: germline. Affected: yes. Study: The Canadian Open Genetics Repository (COGR). Not counted in ClinVar's aggregate classification.

Breast Cancer Information Core (BIC) (BRCA2)
Classification: Pathogenic for Breast-ovarian cancer, familial 2. Last evaluated: 2013-02-20. Review status: no assertion criteria provided. Collection method: clinical testing. Allele origin: somatic. Affected: yes. Observed: 1 variant allele. Not counted in ClinVar's aggregate classification.

Literature cited by the submitters: PubMed 20104584 (cited by Labcorp Genetics (formerly Invitae), Labcorp); PubMed 26187060 (cited by Labcorp Genetics (formerly Invitae), Labcorp); PubMed 28993434 (cited by Labcorp Genetics (formerly Invitae), Labcorp and Ambry Genetics); PubMed 30702160 (cited by Labcorp Genetics (formerly Invitae), Labcorp); PubMed 18465347 (cited by Ambry Genetics); PubMed 22970155 (cited by Ambry Genetics); PubMed 15145354 (cited by 3DMed Clinical Laboratory Inc).